The following is an entry in ClinVar:

NM_000231.3(SGCG):c.579-3C>T

Gene: SGCG (sarcoglycan gamma; plus strand). Cytogenetic location: 13q12.12.
Variant type: single nucleotide variant.
Coding change: c.579-3C>T on transcript NM_000231.3 (MANE Select); 3 bases into the intron before coding-DNA position 579, C replaced by T.
Molecular consequence: intron variant.
Genome position (GRCh38, 1-based): chr13:23,320,634, C>T. VCF-style: chr13-23320634-C-T. GRCh37 (hg19) VCF-style: chr13-23894773-C-T.
Other names: c.633-3C>T (NM_001378244.1); c.579-3C>T (NM_001378245.1, NM_001378246.1).
Identifiers: ClinVar variation 2163689 (VCV002163689.1), dbSNP rs2542092498, ClinGen allele CA954040505.

ClinVar aggregate classification (germline): Uncertain significance (1 of 4 stars; one submission).

Conditions:
Autosomal recessive limb-girdle muscular dystrophy type 2C (LGMDR5). Also called: MUSCULAR DYSTROPHY, DUCHENNE-LIKE; MUSCULAR DYSTROPHY, LIMB-GIRDLE, AUTOSOMAL RECESSIVE 5. Identifiers: Orphanet 353, MedGen C0410173, MONDO:0009677, OMIM 253700. Disease mechanism: Affects gamma-sarcoglycan and also disrupts the integrity of the entire sarcoglycan complex..

Allele frequency attached by ClinVar (database versions not stated): gnomAD exomes below 0.00001.

Submission:

Labcorp Genetics (formerly Invitae), Labcorp
Classification: Uncertain significance for Autosomal recessive limb-girdle muscular dystrophy type 2C. Last evaluated: 2022-04-29. Review status: criteria provided, single submitter. Criteria: Invitae Variant Classification Sherloc (09022015). Collection method: clinical testing. Allele origin: germline.
Comment: This sequence change falls in intron 6 of the SGCG gene. It does not directly change the encoded amino acid sequence of the SGCG protein. It affects a nucleotide within the consensus splice site. This variant is not present in population databases (gnomAD no frequency). This variant has not been reported in the literature in individuals affected with SGCG-related conditions. Variants that disrupt the consensus splice site are a relatively common cause of aberrant splicing (PMID: 17576681, 9536098). Algorithms developed to predict the effect of sequence changes on RNA splicing suggest that this variant is not likely to affect RNA splicing. In summary, the available evidence is currently insufficient to determine the role of this variant in disease. Therefore, it has been classified as a Variant of Uncertain Significance.

Literature cited by the submitters: PubMed 17576681; PubMed 9536098.